The following is an entry in ClinVar:

NM_199420.4(POLQ):c.2428C>A (p.Leu810Ile)

Gene: POLQ (DNA polymerase theta; minus strand). Cytogenetic location: 3q13.33.
Variant type: single nucleotide variant.
Coding change: c.2428C>A on transcript NM_199420.4 (MANE Select); coding-DNA position 2428, C replaced by A.
Protein change: p.Leu810Ile; replaces leucine 810 with isoleucine.
Molecular consequence: missense variant.
Genome position (GRCh38, 1-based): chr3:121,493,572, G>T on the plus strand (C>A on the coding strand, the complement: POLQ is on the minus strand). VCF-style: chr3-121493572-G-T. GRCh37 (hg19) VCF-style: chr3-121212419-G-T.
Other names: short protein forms L810I.
Identifiers: ClinVar variation 1791113 (VCV001791113.2), dbSNP rs763240518, ClinGen allele CA2563264.

ClinVar aggregate classification (germline): Uncertain significance (1 of 4 stars; one submission).

Allele frequency attached by ClinVar (database versions not stated): gnomAD exomes below 0.00001; ExAC 0.00001.
gnomAD v4.1: 3 of 1,613,968 alleles (0.00019%); highest among the groups gnomAD compares: Admixed American, 0.005%; no homozygotes.

Submission:

Ambry Genetics
Classification: Uncertain significance. Last evaluated: 2022-04-19. Review status: criteria provided, single submitter. Criteria: Ambry Variant Classification Scheme 2023. Collection method: clinical testing. Allele origin: germline.
Comment: The p.L810I variant (also known as c.2428C>A), located in coding exon 15 of the POLQ gene, results from a C to A substitution at nucleotide position 2428. The leucine at codon 810 is replaced by isoleucine, an amino acid with highly similar properties. This amino acid position is conserved. In addition, the in silico prediction for this alteration is inconclusive. Since supporting evidence is limited at this time, the clinical significance of this alteration remains unclear.